The following is an entry in ClinVar:

NM_016648.4(LARP7):c.1010_1011del (p.Ser337fs)

Genes: LARP7 (La ribonucleoprotein 7, transcriptional regulator; plus strand), MIR302CHG (miR-302/367 cluster host gene; minus strand). Cytogenetic location: 4q25.
Variant type: Microsatellite.
Coding change: c.1010_1011del on transcript NM_016648.4 (MANE Select); coding-DNA positions 1010 to 1011, 2 bases deleted (CT; older notation c.1010_1011delCT).
Protein change: p.Ser337fs; shifts the reading frame from serine 337.
Molecular consequence: frameshift variant.
Genome position (GRCh38, 1-based): chr4:112,647,702-112,647,703, CT deleted; deleting any 2 consecutive bases within chr4:112,647,699-112,647,703 gives the same sequence; the c. name uses the placement nearest the transcript's 3' end. VCF-style (leftmost placement, unchanged base first): chr4-112647698-ATC-A. GRCh37 (hg19) VCF-style: chr4-113568854-ATC-A.
Other names: c.1010_1011del, p.Ser337fs (NM_001267039.4, NM_001370978.1, NM_015454.3); c.1049_1050del, p.Ser350fs (NM_001370974.1, NM_001370975.1); c.1046_1047del, p.Ser349fs (NM_001370976.1, NM_001370977.1); c.1007_1008del, p.Ser336fs (NM_001370979.1, NM_001370980.1); c.773_774del, p.Ser258fs (NM_001370981.1, NM_001370982.1); short protein forms S337fs, S349fs, S258fs, S350fs, S336fs.
Identifiers: ClinVar variation 1967475 (VCV001967475.5), dbSNP rs2477797618, ClinGen allele CA2580616756.

ClinVar aggregate classification (germline): Pathogenic (1 of 4 stars; one submission).

Submission:

Labcorp Genetics (formerly Invitae), Labcorp
Classification: Pathogenic. Last evaluated: 2022-10-13. Review status: criteria provided, single submitter. Criteria: Invitae Variant Classification Sherloc (09022015). Collection method: clinical testing. Allele origin: germline.
Comment: This sequence change creates a premature translational stop signal (p.Ser337Tyrfs*2) in the LARP7 gene. It is expected to result in an absent or disrupted protein product. Loss-of-function variants in LARP7 are known to be pathogenic (PMID: 22865833, 26374271, 26607181). This variant is not present in population databases (gnomAD no frequency). This variant has not been reported in the literature in individuals affected with LARP7-related conditions. For these reasons, this variant has been classified as Pathogenic.

Literature cited by the submitters: PubMed 22865833; PubMed 26374271; PubMed 26607181.